The following is an entry in ClinVar:

NM_000057.4(BLM):c.2167C>G (p.Gln723Glu)

Gene: BLM (BLM RecQ like helicase; plus strand). Cytogenetic location: 15q26.1.
Variant type: single nucleotide variant.
Coding change: c.2167C>G on transcript NM_000057.4 (MANE Select); coding-DNA position 2167, C replaced by G.
Protein change: p.Gln723Glu; replaces glutamine 723 with glutamic acid.
Molecular consequence: missense variant.
Genome position (GRCh38, 1-based): chr15:90,765,388, C>G. VCF-style: chr15-90765388-C-G. GRCh37 (hg19) VCF-style: chr15-91308618-C-G.
Other names: c.2167C>G, p.Gln723Glu (NM_001287246.2, NM_001287247.2); c.1042C>G, p.Gln348Glu (NM_001287248.2); short protein forms Q348E, Q723E.
Identifiers: ClinVar variation 1432107 (VCV001432107.10), dbSNP rs2151162501, ClinGen allele CA393844695.
Genomic context (GRCh38, chr15:90,765,388, plus strand): 5'-GCCTGTGTTTCTCCTGGGGTCACTGTTGTCATTTCTCCCTTGAGATCACTTATCGTAGAT[C>G]AAGTCCAAAAGCTGACTTCCTTGGATGTAAGTTATAAAAATACTAATAAAAACACGCCTT-3'
Protein context (NP_000048.1, residues 713-733): ISPLRSLIVD[Gln723Glu]VQKLTSLDIP

ClinVar aggregate classification (germline): Uncertain significance. Review status: criteria provided, multiple submitters, no conflicts (2 of 4 stars). 2 submissions from 2 submitters: Uncertain significance (2). Last evaluated 2022-11-29.

Conditions:
Bloom syndrome (BLM). Also called: Bloom-Torre-Machacek syndrome. Identifiers: Orphanet 125, MedGen C0005859, MONDO:0008876, OMIM 210900.
Hereditary cancer-predisposing syndrome. Also called: Hereditary Cancer Syndrome; Hereditary neoplastic syndrome; Neoplastic Syndromes, Hereditary; Tumor predisposition. Identifiers: Orphanet 140162, MedGen C0027672, MeSH D009386, MONDO:0015356.

Submissions (2):

Labcorp Genetics (formerly Invitae), Labcorp
Classification: Uncertain significance for Bloom syndrome. Last evaluated: 2022-11-29. Review status: criteria provided, single submitter. Criteria: Invitae Variant Classification Sherloc (09022015). Collection method: clinical testing. Allele origin: germline.
Comment: In summary, the available evidence is currently insufficient to determine the role of this variant in disease. Therefore, it has been classified as a Variant of Uncertain Significance. Advanced modeling of protein sequence and biophysical properties (such as structural, functional, and spatial information, amino acid conservation, physicochemical variation, residue mobility, and thermodynamic stability) performed at Invitae indicates that this missense variant is expected to disrupt BLM protein function. ClinVar contains an entry for this variant (Variation ID: 1432107). This variant has not been reported in the literature in individuals affected with BLM-related conditions. This variant is not present in population databases (gnomAD no frequency). This sequence change replaces glutamine, which is neutral and polar, with glutamic acid, which is acidic and polar, at codon 723 of the BLM protein (p.Gln723Glu).

Ambry Genetics
Classification: Uncertain significance for Hereditary cancer-predisposing syndrome. Last evaluated: 2021-03-09. Review status: criteria provided, single submitter. Criteria: Ambry Variant Classification Scheme 2023. Collection method: clinical testing. Allele origin: germline.
Comment: The p.Q723E variant (also known as c.2167C>G), located in coding exon 8 of the BLM gene, results from a C to G substitution at nucleotide position 2167. The glutamine at codon 723 is replaced by glutamic acid, an amino acid with highly similar properties. This amino acid position is highly conserved in available vertebrate species. In addition, this alteration is predicted to be deleterious by in silico analysis. Since supporting evidence is limited at this time, the clinical significance of this alteration remains unclear.